The following is an entry in ClinVar:

NM_032901.4(COX14):c.32G>C (p.Gly11Ala)

Gene: COX14 (cytochrome c oxidase assembly factor COX14; plus strand). Cytogenetic location: 12q13.12.
Variant type: single nucleotide variant.
Coding change: c.32G>C on transcript NM_032901.4 (MANE Select); coding-DNA position 32, G replaced by C.
Protein change: p.Gly11Ala; replaces glycine 11 with alanine.
Molecular consequence: missense variant.
Genome position (GRCh38, 1-based): chr12:50,120,075, G>C. VCF-style: chr12-50120075-G-C. GRCh37 (hg19) VCF-style: chr12-50513858-G-C.
Other names: c.32G>C, p.Gly11Ala (NM_001257133.2, NM_001257134.2); short protein forms G11A.
Identifiers: ClinVar variation 2024361 (VCV002024361.4), dbSNP rs1951116714, ClinGen allele CA384807861.

ClinVar aggregate classification (germline): Uncertain significance (1 of 4 stars; one submission).

Submission:

Labcorp Genetics (formerly Invitae), Labcorp
Classification: Uncertain significance. Last evaluated: 2025-07-07. Review status: criteria provided, single submitter. Criteria: Invitae Variant Classification Sherloc (09022015). Collection method: clinical testing. Allele origin: germline.
Comment: This sequence change replaces glycine, which is neutral and non-polar, with alanine, which is neutral and non-polar, at codon 11 of the COX14 protein (p.Gly11Ala). This variant is not present in population databases (gnomAD no frequency). This variant has not been reported in the literature in individuals affected with COX14-related conditions. ClinVar contains an entry for this variant (Variation ID: 2024361). An algorithm developed to predict the effect of missense changes on protein structure and function (PolyPhen-2) suggests that this variant is likely to be disruptive. In summary, the available evidence is currently insufficient to determine the role of this variant in disease. Therefore, it has been classified as a Variant of Uncertain Significance.